The following is an entry in ClinVar:

NM_033409.4(SLC52A3):c.249C>T (p.Thr83=)

Gene: SLC52A3 (solute carrier family 52 member 3; minus strand). Cytogenetic location: 20p13.
Variant type: single nucleotide variant.
Coding change: c.249C>T on transcript NM_033409.4 (MANE Select); coding-DNA position 249, C replaced by T.
Protein change: p.Thr83=; no amino-acid change (threonine 83 retained).
Molecular consequence: synonymous variant.
Genome position (GRCh38, 1-based): chr20:765,526, G>A on the plus strand (C>T on the coding strand, the complement: SLC52A3 is on the minus strand). VCF-style: chr20-765526-G-A. GRCh37 (hg19) VCF-style: chr20-746170-G-A.
Other names: c.249C>T, p.Thr83= (NM_001370085.1, NM_001370086.1); c.249C>T (NM_033409.3).
Identifiers: ClinVar variation 1155312 (VCV001155312.11), dbSNP rs200606057, ClinGen allele CA9724813.
Genomic context (GRCh38, chr20:765,526, plus strand): 5'-GTGGCCGTCCAGCACCCAGGAGGTCATATTCCAGAGGAAGGCAAAGATGATGCAGGTGAC[G>A]GTTCCCACGCCCAGCAGGGTGAAGATGATGGGCACTTCGGAAAGGCAGCTGGGCCGGAAG-3'
Protein context (NP_212134.3, residues 73-93): PIIFTLLGVG[Thr83=]VTCIIFAFLW

ClinVar aggregate classification (germline): Likely benign. Review status: criteria provided, multiple submitters, no conflicts (2 of 4 stars). 3 submissions from 3 submitters: Likely benign (3). Last evaluated 2026-02-13.

Conditions:
Brown-Vialetto-van Laere syndrome 1. Also called: BROWN-VIALETTO-VAN LAERE SYNDROME 1, MILD; BULBAR PALSY, PROGRESSIVE, WITH SENSORINEURAL DEAFNESS; PONTOBULBAR PALSY WITH DEAFNESS. Identifiers: Orphanet 572550, Orphanet 97229, MedGen C0796274, MONDO:0024537, OMIM 211530.
SLC52A3-related disorder. Also called: SLC52A3-related condition.

Allele frequency attached by ClinVar (database versions not stated): 1000 Genomes Project 30x 0.00016; TOPMed 0.00002; 1000 Genomes Project 0.00020; gnomAD exomes 0.00004 and 0.00006; ESP Exome Variant Server 0.00008; gnomAD 0.00004; ExAC 0.00005.
gnomAD v4.1: 94 of 1,577,102 alleles (0.006%); highest among the groups gnomAD compares: African/African-American, 0.0094%; no homozygotes.

Submissions (3):

PreventionGenetics, part of Exact Sciences
Classification: Likely benign for SLC52A3-related condition. Last evaluated: 2026-02-13. Review status: criteria provided, single submitter. Criteria: ACMG Guidelines, 2015. Collection method: clinical testing. Allele origin: germline.
Comment: This variant is classified as likely benign based on ACMG/AMP sequence variant interpretation guidelines (Richards et al. 2015 PMID: 25741868, with internal and published modifications).

Labcorp Genetics (formerly Invitae), Labcorp
Classification: Likely benign for Brown-Vialetto-van Laere syndrome 1. Last evaluated: 2024-09-28. Review status: criteria provided, single submitter. Criteria: Invitae Variant Classification Sherloc (09022015). Collection method: clinical testing. Allele origin: germline.

Blueprint Genetics
Classification: Likely benign. Last evaluated: 2024-03-13. Review status: criteria provided, single submitter. Criteria: ACMG Guidelines, 2015. Collection method: clinical testing. Allele origin: germline.